The following is an entry in ClinVar:

ClinVar aggregate classification (germline): Likely benign (1 of 4 stars; one submission).

Conditions:
SCAPER-related disorder. Also called: SCAPER-related condition.

gnomAD v4.1: 18 of 1,613,546 alleles (0.0011%); highest among the groups gnomAD compares: Non-Finnish European, 0.0015%; no homozygotes.

Submission:

PreventionGenetics, part of Exact Sciences
Classification: Likely benign for SCAPER-related condition. Last evaluated: 2026-08-11. Review status: criteria provided, single submitter. Criteria: ACMG Guidelines, 2015. Collection method: clinical testing. Allele origin: germline.
Comment: This variant is classified as likely benign based on ACMG/AMP sequence variant interpretation guidelines (Richards et al. 2015 PMID: 25741868, with internal and published modifications).

NM_020843.4(SCAPER):c.3123A>C (p.Thr1041=)

Genes: SCAPER (S-phase cyclin A associated protein in the ER; minus strand), LOC126862183 (BRD4-independent group 4 enhancer GRCh37_chr15:76726060-76727259; plus strand). Cytogenetic location: 15q24.3.
Variant type: single nucleotide variant.
Coding change: c.3123A>C on transcript NM_020843.4 (MANE Select); coding-DNA position 3123, A replaced by C.
Protein change: p.Thr1041=; no amino-acid change (threonine 1041 retained).
Molecular consequence: synonymous variant. On other transcripts: non-coding transcript variant (1).
Genome position (GRCh38, 1-based): chr15:76,434,266, T>G on the plus strand (A>C on the coding strand, the complement: SCAPER is on the minus strand). VCF-style: chr15-76434266-T-G. GRCh37 (hg19) VCF-style: chr15-76726607-T-G.
Other names: c.2385A>C, p.Thr795= (NM_001145923.2); c.3141A>C, p.Thr1047= (NM_001353009.2); c.2721A>C, p.Thr907= (NM_001353010.2, NM_001353012.2); c.2739A>C, p.Thr913= (NM_001353011.2).
Identifiers: ClinVar variation 4982088 (VCV004982088.1).